The following is an entry in ClinVar:

ClinVar aggregate classification (germline): Uncertain significance (1 of 4 stars; one submission).

gnomAD v4.1: 9 of 1,614,024 alleles (0.00056%); highest among the groups gnomAD compares: Admixed American, 0.005%; no homozygotes.

Submission:

Labcorp Genetics (formerly Invitae), Labcorp
Classification: Uncertain significance. Last evaluated: 2024-08-27. Review status: criteria provided, single submitter. Criteria: Invitae Variant Classification Sherloc (09022015). Collection method: clinical testing. Allele origin: germline.
Comment: This sequence change replaces arginine, which is basic and polar, with tryptophan, which is neutral and slightly polar, at codon 219 of the TET3 protein (p.Arg219Trp). This variant is present in population databases (rs760640980, gnomAD 0.009%). This variant has not been reported in the literature in individuals affected with TET3-related conditions. Experimental studies and prediction algorithms are not available or were not evaluated, and the functional significance of this variant is currently unknown. In summary, the available evidence is currently insufficient to determine the role of this variant in disease. Therefore, it has been classified as a Variant of Uncertain Significance.

NM_001287491.2(TET3):c.655C>T (p.Arg219Trp)

Gene: TET3 (tet methylcytosine dioxygenase 3; plus strand). Cytogenetic location: 2p13.1.
Variant type: single nucleotide variant.
Coding change: c.655C>T on transcript NM_001287491.2 (MANE Select); coding-DNA position 655, C replaced by T.
Protein change: p.Arg219Trp; replaces arginine 219 with tryptophan.
Molecular consequence: missense variant.
Genome position (GRCh38, 1-based): chr2:74,046,572, C>T. VCF-style: chr2-74046572-C-T. GRCh37 (hg19) VCF-style: chr2-74273699-C-T.
Other names: c.376C>T, p.Arg126Trp (NM_001366022.1); short protein forms R219W, R126W.
Identifiers: ClinVar variation 3707890 (VCV003707890.2).